The following is an entry in ClinVar:

NM_017654.4(SAMD9):c.167A>C (p.Asp56Ala)

Gene: SAMD9 (sterile alpha motif domain containing 9; minus strand). Cytogenetic location: 7q21.2.
Variant type: single nucleotide variant.
Coding change: c.167A>C on transcript NM_017654.4 (MANE Select); coding-DNA position 167, A replaced by C.
Protein change: p.Asp56Ala; replaces aspartic acid 56 with alanine.
Molecular consequence: missense variant.
Genome position (GRCh38, 1-based): chr7:93,105,931, T>G on the plus strand (A>C on the coding strand, the complement: SAMD9 is on the minus strand). VCF-style: chr7-93105931-T-G. GRCh37 (hg19) VCF-style: chr7-92735244-T-G.
Other names: c.167A>C, p.Asp56Ala (NM_001193307.2); short protein forms D56A.
Identifiers: ClinVar variation 2992416 (VCV002992416.2), dbSNP rs778463566, ClinGen allele CA368205829.

ClinVar aggregate classification (germline): Uncertain significance. Review status: criteria provided, multiple submitters, no conflicts (2 of 4 stars). 2 submissions from 2 submitters: Uncertain significance (2). Last evaluated 2024-05-22.

Submissions (2):

Revvity Omics, Revvity
Classification: Uncertain significance. Last evaluated: 2024-05-22. Review status: criteria provided, single submitter. Criteria: ACMG Guidelines, 2015. Collection method: clinical testing. Allele origin: germline.

Labcorp Genetics (formerly Invitae), Labcorp
Classification: Uncertain significance. Last evaluated: 2023-10-11. Review status: criteria provided, single submitter. Criteria: Invitae Variant Classification Sherloc (09022015). Collection method: clinical testing. Allele origin: germline.
Comment: This sequence change replaces aspartic acid, which is acidic and polar, with alanine, which is neutral and non-polar, at codon 56 of the SAMD9 protein (p.Asp56Ala). This variant is not present in population databases (gnomAD no frequency). This variant has not been reported in the literature in individuals affected with SAMD9-related conditions. Advanced modeling of protein sequence and biophysical properties (such as structural, functional, and spatial information, amino acid conservation, physicochemical variation, residue mobility, and thermodynamic stability) performed at Invitae indicates that this missense variant is not expected to disrupt SAMD9 protein function. In summary, the available evidence is currently insufficient to determine the role of this variant in disease. Therefore, it has been classified as a Variant of Uncertain Significance.